The following is an entry in ClinVar:

NM_000111.3(SLC26A3):c.167C>T (p.Ser56Phe)

Gene: SLC26A3 (solute carrier family 26 member 3; minus strand). Cytogenetic location: 7q22.3.
Variant type: single nucleotide variant.
Coding change: c.167C>T on transcript NM_000111.3 (MANE Select); coding-DNA position 167, C replaced by T.
Protein change: p.Ser56Phe; replaces serine 56 with phenylalanine.
Molecular consequence: missense variant.
Genome position (GRCh38, 1-based): chr7:107,793,846, G>A on the plus strand (C>T on the coding strand, the complement: SLC26A3 is on the minus strand). VCF-style: chr7-107793846-G-A. GRCh37 (hg19) VCF-style: chr7-107434291-G-A.
Other names: c.167C>T (NM_000111.2); short protein forms S56F.
Identifiers: ClinVar variation 1450579 (VCV001450579.6), dbSNP rs369767483, ClinGen allele CA164254129.

ClinVar aggregate classification (germline): Uncertain significance. Review status: criteria provided, multiple submitters, no conflicts (2 of 4 stars). 2 submissions from 2 submitters: Uncertain significance (2). Last evaluated 2025-11-20.

Conditions:
Inborn genetic diseases. Identifiers: MedGen C0950123, MeSH D030342.

Allele frequency attached by ClinVar (database versions not stated): gnomAD 0.00001; gnomAD exomes below 0.00001; TOPMed 0.00001.
gnomAD v4.1: 21 of 1,613,974 alleles (0.0013%); highest among the groups gnomAD compares: East Asian, 0.011%; no homozygotes.

Submissions (2):

Ambry Genetics
Classification: Uncertain significance for Inborn genetic diseases. Last evaluated: 2025-11-20. Review status: criteria provided, single submitter. Criteria: Ambry Variant Classification Scheme 2023. Collection method: clinical testing. Allele origin: germline.

Labcorp Genetics (formerly Invitae), Labcorp
Classification: Uncertain significance. Last evaluated: 2021-09-01. Review status: criteria provided, single submitter. Criteria: Invitae Variant Classification Sherloc (09022015). Collection method: clinical testing. Allele origin: germline.
Comment: This sequence change replaces serine with phenylalanine at codon 56 of the SLC26A3 protein (p.Ser56Phe). The serine residue is moderately conserved and there is a large physicochemical difference between serine and phenylalanine. This variant is not present in population databases (ExAC no frequency). This variant has not been reported in the literature in individuals affected with SLC26A3-related conditions. Algorithms developed to predict the effect of missense changes on protein structure and function are either unavailable or do not agree on the potential impact of this missense change (SIFT: "Tolerated"; PolyPhen-2: "Possibly Damaging"; Align-GVGD: "Class C0"). In summary, the available evidence is currently insufficient to determine the role of this variant in disease. Therefore, it has been classified as a Variant of Uncertain Significance.